The following is an entry in ClinVar:

ClinVar aggregate classification (germline): Uncertain significance (1 of 4 stars; one submission).

gnomAD v4.1: 19 of 1,612,688 alleles (0.0012%); highest among the groups gnomAD compares: Non-Finnish European, 0.0016%; no homozygotes.

Submission:

Labcorp Genetics (formerly Invitae), Labcorp
Classification: Uncertain significance. Last evaluated: 2025-04-28. Review status: criteria provided, single submitter. Criteria: Invitae Variant Classification Sherloc (09022015). Collection method: clinical testing. Allele origin: germline.
Comment: This sequence change replaces arginine, which is basic and polar, with proline, which is neutral and non-polar, at codon 225 of the CABP4 protein (p.Arg225Pro). This variant is not present in population databases (gnomAD no frequency). This variant has not been reported in the literature in individuals affected with CABP4-related conditions. ClinVar contains an entry for this variant (Variation ID: 1421486). Invitae Evidence Modeling of protein sequence and biophysical properties (such as structural, functional, and spatial information, amino acid conservation, physicochemical variation, residue mobility, and thermodynamic stability) has been performed for this missense variant. However, the output from this modeling did not meet the statistical confidence thresholds required to predict the impact of this variant on CABP4 protein function. In summary, the available evidence is currently insufficient to determine the role of this variant in disease. Therefore, it has been classified as a Variant of Uncertain Significance.

NM_145200.5(CABP4):c.674G>C (p.Arg225Pro)

Gene: CABP4 (calcium binding protein 4; plus strand). Cytogenetic location: 11q13.2.
Variant type: single nucleotide variant.
Coding change: c.674G>C on transcript NM_145200.5 (MANE Select); coding-DNA position 674, G replaced by C.
Protein change: p.Arg225Pro; replaces arginine 225 with proline.
Molecular consequence: missense variant. On other transcripts: non-coding transcript variant (1).
Genome position (GRCh38, 1-based): chr11:67,458,393, G>C. VCF-style: chr11-67458393-G-C. GRCh37 (hg19) VCF-style: chr11-67225864-G-C.
Other names: c.359G>C, p.Arg120Pro (NM_001300895.3, NM_001300896.3, NM_001379183.1); short protein forms R120P, R225P.
Identifiers: ClinVar variation 1421486 (VCV001421486.9), dbSNP rs200848734, ClinGen allele CA381533155.